The following is an entry in ClinVar:

ClinVar aggregate classification (germline): Uncertain significance (1 of 4 stars; one submission).

Conditions:
T-cell immunodeficiency, congenital alopecia, and nail dystrophy. Also called: Congenital alopecia and nail dystrophy associated with severe functional T-cell immunodeficiency; Pignata Guarino syndrome. Identifiers: Orphanet 169095, MedGen C1866426, MONDO:0011132, OMIM 601705.

gnomAD v4.1: 1 of 1,612,608 alleles (0.000062%); highest among the groups gnomAD compares: Admixed American, 0.0017%; no homozygotes.

Submission:

Labcorp Genetics (formerly Invitae), Labcorp
Classification: Uncertain significance for T-cell immunodeficiency, congenital alopecia, and nail dystrophy. Last evaluated: 2025-03-11. Review status: criteria provided, single submitter. Criteria: Invitae Variant Classification Sherloc (09022015). Collection method: clinical testing. Allele origin: germline.
Comment: This sequence change replaces proline, which is neutral and non-polar, with leucine, which is neutral and non-polar, at codon 112 of the FOXN1 protein (p.Pro112Leu). This variant is present in population databases (no rsID available, gnomAD 0.003%). This variant has not been reported in the literature in individuals affected with FOXN1-related conditions. Invitae Evidence Modeling of protein sequence and biophysical properties (such as structural, functional, and spatial information, amino acid conservation, physicochemical variation, residue mobility, and thermodynamic stability) indicates that this missense variant is not expected to disrupt FOXN1 protein function with a negative predictive value of 80%. In summary, the available evidence is currently insufficient to determine the role of this variant in disease. Therefore, it has been classified as a Variant of Uncertain Significance.

NM_001369369.1(FOXN1):c.335C>T (p.Pro112Leu)

Gene: FOXN1 (forkhead box N1; plus strand). Cytogenetic location: 17q11.2.
Variant type: single nucleotide variant.
Coding change: c.335C>T on transcript NM_001369369.1 (MANE Select); coding-DNA position 335, C replaced by T.
Protein change: p.Pro112Leu; replaces proline 112 with leucine.
Molecular consequence: missense variant.
Genome position (GRCh38, 1-based): chr17:28,524,714, C>T. VCF-style: chr17-28524714-C-T. GRCh37 (hg19) VCF-style: chr17-26851732-C-T.
Other names: c.335C>T, p.Pro112Leu (NM_003593.3); short protein forms P112L.
Identifiers: ClinVar variation 3613505 (VCV003613505.2).